The following is an entry in ClinVar:

ClinVar aggregate classification (germline): Conflicting classifications of pathogenicity. Review status: criteria provided, conflicting classifications (1 of 4 stars). 7 submissions from 7 submitters: Uncertain significance (1); Likely benign (4). 2 of the submissions do not count toward it. Last evaluated 2025-02-13.

Conditions:
Autosomal recessive ataxia, Beauce type. Also called: SYNE1 Deficiency; Spinocerebellar ataxia, autosomal recessive 8; SYNE1-Related Autosomal Recessive Cerebellar Ataxia; ATAXIA, RECESSIVE, OF BEAUCE. Identifiers: Orphanet 88644, MedGen C1853116, MONDO:0012549, OMIM 610743.
Emery-Dreifuss muscular dystrophy 4, autosomal dominant (EDMD4). Also called: EMERY-DREIFUSS MUSCULAR DYSTROPHY 4 WITH VARIABLE FEATURES. Identifiers: Orphanet 261, MedGen C2751807, MONDO:0013071, OMIM 612998.

Allele frequency attached by ClinVar (database versions not stated): TOPMed 0.00012; gnomAD 0.00013; ESP Exome Variant Server 0.00015.
gnomAD v4.1: 281 of 1,613,660 alleles (0.017%); highest among the groups gnomAD compares: Non-Finnish European, 0.022%; 1 homozygote.

Submissions (7):

Labcorp Genetics (formerly Invitae), Labcorp
Classification: Likely benign for Emery-Dreifuss muscular dystrophy 4, autosomal dominant; Autosomal recessive ataxia, Beauce type. Last evaluated: 2025-02-13. Review status: criteria provided, single submitter. Criteria: Invitae Variant Classification Sherloc (09022015). Collection method: clinical testing. Allele origin: germline.

Blueprint Genetics
Classification: Likely benign. Last evaluated: 2023-03-07. Review status: criteria provided, single submitter. Criteria: ACMG Guidelines, 2015. Collection method: clinical testing. Allele origin: germline.

CeGaT Center for Human Genetics Tuebingen
Classification: Likely benign. Last evaluated: 2022-09-01. Review status: criteria provided, single submitter. Criteria: CeGaT Center For Human Genetics Tuebingen Variant Classification Criteria Version 2. Collection method: clinical testing. Allele origin: germline. Affected: yes. Observed: 1 variant allele.
Comment: SYNE1: BP4, BP7

Genetic Services Laboratory, University of Chicago
Classification: Likely benign. Last evaluated: 2017-09-25. Review status: criteria provided, single submitter. Criteria: ACMG Guidelines, 2015. Collection method: clinical testing. Allele origin: germline. Affected: no.

Eurofins Ntd Llc (ga)
Classification: Uncertain significance. Last evaluated: 2016-10-11. Review status: criteria provided, single submitter. Criteria: EGL Classification Definitions 2015. Collection method: clinical testing. Allele origin: germline. Observed: 2 variant alleles, 2 heterozygotes.

Clinical Genetics DNA and cytogenetics Diagnostics Lab, Erasmus MC, Erasmus Medical Center
Classification: Likely benign. Review status: no assertion criteria provided. Collection method: clinical testing. Allele origin: germline. Affected: yes. Study: VKGL Data-share Consensus. Not counted in ClinVar's aggregate classification.

Genome Diagnostics Laboratory, University Medical Center Utrecht
Classification: Likely benign. Review status: no assertion criteria provided. Collection method: clinical testing. Allele origin: germline. Affected: yes. Study: VKGL Data-share Consensus. Not counted in ClinVar's aggregate classification.

NM_182961.4(SYNE1):c.20070G>C (p.Thr6690=)

Gene: SYNE1 (spectrin repeat containing nuclear envelope protein 1; minus strand). Cytogenetic location: 6q25.2.
Variant type: single nucleotide variant.
Coding change: c.20070G>C on transcript NM_182961.4 (MANE Select); coding-DNA position 20070, G replaced by C.
Protein change: p.Thr6690=; no amino-acid change (threonine 6690 retained).
Molecular consequence: synonymous variant.
Genome position (GRCh38, 1-based): chr6:152,236,946, C>G on the plus strand (G>C on the coding strand, the complement: SYNE1 is on the minus strand). VCF-style: chr6-152236946-C-G. GRCh37 (hg19) VCF-style: chr6-152558081-C-G.
Other names: c.19857G>C, p.Thr6619= (NM_033071.5).
Identifiers: ClinVar variation 497838 (VCV000497838.46), dbSNP rs141263831, ClinGen allele CA4054496.
Genomic context (GRCh38, chr6:152,236,946, plus strand): 5'-GCTTTCCACCACCTCCAGCTGTCTGCTGAGCTCCTGCTGGTCCTCATCCAGATGGGACCA[C>G]GTCTAGAAACACAACATGAGTCTGTGAGCTAAAAAAACCCTCATTAGCGAAAGACATTCT-3'
Protein context (NP_892006.3, residues 6680-6700): RGVELEYILE[Thr6690=]WSHLDEDQQE